The following is an entry in ClinVar:

ClinVar aggregate classification (germline): Uncertain significance (1 of 4 stars; one submission).

Conditions:
Aicardi-Goutieres syndrome 5. Identifiers: Orphanet 51, MedGen C2749659, MONDO:0013059, OMIM 612952.

Allele frequency attached by ClinVar (database versions not stated): gnomAD exomes 0.00001; ExAC 0.00002.

Submission:

Labcorp Genetics (formerly Invitae), Labcorp
Classification: Uncertain significance for Aicardi-Goutieres syndrome 5. Last evaluated: 2022-08-13. Review status: criteria provided, single submitter. Criteria: Invitae Variant Classification Sherloc (09022015). Collection method: clinical testing. Allele origin: germline.
Comment: This sequence change replaces arginine, which is basic and polar, with glutamine, which is neutral and polar, at codon 220 of the SAMHD1 protein (p.Arg220Gln). This variant is present in population databases (rs745608353, gnomAD 0.003%). This variant has not been reported in the literature in individuals affected with SAMHD1-related conditions. Algorithms developed to predict the effect of missense changes on protein structure and function (SIFT, PolyPhen-2, Align-GVGD) all suggest that this variant is likely to be tolerated. In summary, the available evidence is currently insufficient to determine the role of this variant in disease. Therefore, it has been classified as a Variant of Uncertain Significance.

NM_015474.4(SAMHD1):c.659G>A (p.Arg220Gln)

Gene: SAMHD1 (SAM and HD domain containing deoxynucleoside triphosphate triphosphohydrolase 1; minus strand). Cytogenetic location: 20q11.23.
Variant type: single nucleotide variant.
Coding change: c.659G>A on transcript NM_015474.4 (MANE Select); coding-DNA position 659, G replaced by A.
Protein change: p.Arg220Gln; replaces arginine 220 with glutamine.
Molecular consequence: missense variant.
Genome position (GRCh38, 1-based): chr20:36,927,219, C>T on the plus strand (G>A on the coding strand, the complement: SAMHD1 is on the minus strand). VCF-style: chr20-36927219-C-T. GRCh37 (hg19) VCF-style: chr20-35555622-C-T.
Other names: c.659G>A, p.Arg220Gln (NM_001363729.2, NM_001363733.2); short protein forms R220Q.
Identifiers: ClinVar variation 2197605 (VCV002197605.1), dbSNP rs745608353, ClinGen allele CA9844683.
Genomic context (GRCh38, chr20:36,927,219, plus strand): 5'-CTATTGACTGTATGAATACATACCGTCCATTTCACCTCCGGGCGAGCAAGTGGAATAAAT[C>T]GTCCATCAAACATGTGAGAAAATGGCCCATGACCTTAAAAACAAAAGCAGCCTTAGAACA-3'
Protein context (NP_056289.2, residues 210-230): HGPFSHMFDG[Arg220Gln]FIPLARPEVK